The following is an entry in ClinVar:

NM_001164508.2(NEB):c.11467G>C (p.Gly3823Arg)

Gene: NEB (nebulin; minus strand). Cytogenetic location: 2q23.3.
Variant type: single nucleotide variant.
Coding change: c.11467G>C on transcript NM_001164508.2 (MANE Select); coding-DNA position 11467, G replaced by C.
Protein change: p.Gly3823Arg; replaces glycine 3823 with arginine.
Molecular consequence: missense variant.
Genome position (GRCh38, 1-based): chr2:151,614,410, C>G on the plus strand (G>C on the coding strand, the complement: NEB is on the minus strand). VCF-style: chr2-151614410-C-G. GRCh37 (hg19) VCF-style: chr2-152470924-C-G.
Other names: c.11467G>C, p.Gly3823Arg (NM_001164507.2, NM_001271208.2); c.10738G>C, p.Gly3580Arg (NM_004543.5); short protein forms G3580R, G3823R.
Identifiers: ClinVar variation 657881 (VCV000657881.10), dbSNP rs1489953672, ClinGen allele CA348781664.

ClinVar aggregate classification (germline): Uncertain significance. Review status: criteria provided, single submitter (1 of 4 stars). 2 submissions from 2 submitters: Uncertain significance (1). 1 of the submissions does not count toward it. Last evaluated 2021-09-01.

Conditions:
Nemaline myopathy 2 (NEM2). Also called: Nemaline myopathy 2, autosomal recessive. Identifiers: MedGen C1850569, MONDO:0009725, OMIM 256030.

Allele frequency attached by ClinVar (database versions not stated): gnomAD exomes below 0.00001.
gnomAD v4.1: 5 of 1,613,912 alleles (0.00031%); highest among the groups gnomAD compares: Non-Finnish European, 0.00034%; no homozygotes.

Submissions (2):

Labcorp Genetics (formerly Invitae), Labcorp
Classification: Uncertain significance for Nemaline myopathy 2. Last evaluated: 2021-09-01. Review status: criteria provided, single submitter. Criteria: Invitae Variant Classification Sherloc (09022015). Collection method: clinical testing. Allele origin: germline.
Comment: This sequence change replaces glycine with arginine at codon 3823 of the NEB protein (p.Gly3823Arg). The glycine residue is moderately conserved and there is a moderate physicochemical difference between glycine and arginine. This variant is not present in population databases (ExAC no frequency). This variant has not been reported in the literature in individuals affected with NEB-related conditions. Algorithms developed to predict the effect of missense changes on protein structure and function are either unavailable or do not agree on the potential impact of this missense change (SIFT: "Deleterious"; PolyPhen-2: "Not Available"; Align-GVGD: "Class C0"). In summary, the available evidence is currently insufficient to determine the role of this variant in disease. Therefore, it has been classified as a Variant of Uncertain Significance.

Natera, Inc.
Classification: Uncertain significance for Nemaline myopathy type 2. Last evaluated: 2021-06-25. Review status: no assertion criteria provided. Collection method: clinical testing. Allele origin: germline. Not counted in ClinVar's aggregate classification.